The following is an entry in ClinVar:

NM_001252024.2(TRPM1):c.1438G>T (p.Val480Leu)

Gene: TRPM1 (transient receptor potential cation channel subfamily M member 1; minus strand). Cytogenetic location: 15q13.3.
Variant type: single nucleotide variant.
Coding change: c.1438G>T on transcript NM_001252024.2 (MANE Select); coding-DNA position 1438, G replaced by T.
Protein change: p.Val480Leu; replaces valine 480 with leucine.
Molecular consequence: missense variant.
Genome position (GRCh38, 1-based): chr15:31,049,509, C>A on the plus strand (G>T on the coding strand, the complement: TRPM1 is on the minus strand). VCF-style: chr15-31049509-C-A. GRCh37 (hg19) VCF-style: chr15-31341712-C-A.
Other names: c.1372G>T (NM_002420.4); c.1489G>T, p.Val497Leu (NM_001252020.2); c.1372G>T, p.Val458Leu (NM_002420.6); c.1489G>T (NM_001252020.1); short protein forms V480L, V458L, V497L.
Identifiers: ClinVar variation 1523996 (VCV001523996.7), dbSNP rs200170211, ClinGen allele CA7452560.

ClinVar aggregate classification (germline): Uncertain significance. Review status: criteria provided, multiple submitters, no conflicts (2 of 4 stars). 4 submissions from 4 submitters: Uncertain significance (4). Last evaluated 2025-12-24.

Conditions:
TRPM1-related disorder. Also called: TRPM1-related condition.
Inborn genetic diseases. Identifiers: MedGen C0950123, MeSH D030342.

Allele frequency attached by ClinVar (database versions not stated): ESP Exome Variant Server 0.00016; ExAC 0.00003; gnomAD 0.00003; gnomAD exomes 0.00003; TOPMed 0.00004.
gnomAD v4.1: 53 of 1,613,626 alleles (0.0033%); highest among the groups gnomAD compares: Non-Finnish European, 0.0042%; no homozygotes.

Submissions (4):

Labcorp Genetics (formerly Invitae), Labcorp
Classification: Uncertain significance. Last evaluated: 2025-12-24. Review status: criteria provided, single submitter. Criteria: Invitae Variant Classification Sherloc (09022015). Collection method: clinical testing. Allele origin: germline.
Comment: This sequence change replaces valine, which is neutral and non-polar, with leucine, which is neutral and non-polar, at codon 458 of the TRPM1 protein (p.Val458Leu). This variant is present in population databases (rs200170211, gnomAD 0.007%). This variant has not been reported in the literature in individuals affected with TRPM1-related conditions. ClinVar contains an entry for this variant (Variation ID: 1523996). Invitae Evidence Modeling of protein sequence and biophysical properties (such as structural, functional, and spatial information, amino acid conservation, physicochemical variation, residue mobility, and thermodynamic stability) indicates that this missense variant is not expected to disrupt TRPM1 protein function with a negative predictive value of 95%. Algorithms developed to predict the effect of sequence changes on RNA splicing suggest that this variant may disrupt the consensus splice site. In summary, the available evidence is currently insufficient to determine the role of this variant in disease. Therefore, it has been classified as a Variant of Uncertain Significance.

PreventionGenetics, part of Exact Sciences
Classification: Uncertain significance for TRPM1-related condition. Last evaluated: 2025-10-28. Review status: criteria provided, single submitter. Criteria: ACMG Guidelines, 2015. Collection method: clinical testing. Allele origin: germline.
Comment: The TRPM1 c.1489G>T variant is predicted to result in the amino acid substitution p.Val497Leu. To our knowledge, this variant has not been reported in the literature. This variant is reported in 0.0071% of alleles in individuals of European (Non-Finnish) descent in gnomAD. At this time, the clinical significance of this variant is uncertain due to the absence of conclusive functional and genetic evidence.

Blueprint Genetics
Classification: Uncertain significance. Last evaluated: 2024-09-21. Review status: criteria provided, single submitter. Criteria: ACMG Guidelines, 2015. Collection method: clinical testing. Allele origin: germline.

Ambry Genetics
Classification: Uncertain significance for Inborn genetic diseases. Last evaluated: 2024-07-06. Review status: criteria provided, single submitter. Criteria: Ambry Variant Classification Scheme 2023. Collection method: clinical testing. Allele origin: germline.